The following is an entry in ClinVar:

ClinVar aggregate classification (germline): Likely pathogenic (0 of 4 stars; one submission).

Conditions:
ACTN1-related disorder. Also called: ACTN1-related condition.

Submission:

PreventionGenetics, part of Exact Sciences
Classification: Likely pathogenic for ACTN1-related condition. Last evaluated: 2024-05-03. Review status: no assertion criteria provided. Collection method: clinical testing. Allele origin: germline.
Comment: The ACTN1 c.1184T>A variant is predicted to result in the amino acid substitution p.Leu395Gln. This variant has been reported to be causative for thrombocytopenia, and functional study suggested that the p.Leu395Gln variant could impact protein function (Yasutomi et al. 2016. PubMed ID: 26453073). This variant has not been reported in a large population database, indicating this variant is rare. This variant is interpreted as likely pathogenic.

NM_001130004.2(ACTN1):c.1184T>A (p.Leu395Gln)

Gene: ACTN1 (actinin alpha 1; minus strand). Cytogenetic location: 14q24.1.
Variant type: single nucleotide variant.
Coding change: c.1184T>A on transcript NM_001130004.2 (MANE Select); coding-DNA position 1184, T replaced by A.
Protein change: p.Leu395Gln; replaces leucine 395 with glutamine.
Molecular consequence: missense variant.
Genome position (GRCh38, 1-based): chr14:68,890,189, A>T on the plus strand (T>A on the coding strand, the complement: ACTN1 is on the minus strand). VCF-style: chr14-68890189-A-T. GRCh37 (hg19) VCF-style: chr14-69356906-A-T.
Other names: c.1184T>A, p.Leu395Gln (NM_001102.4, NM_001130005.2, NM_001411035.1 and 9 more transcripts); c.989T>A, p.Leu330Gln (NM_001411036.1, NM_001424026.1, NM_001424028.1); c.1310T>A, p.Leu437Gln (NM_001424013.1); c.1271T>A, p.Leu424Gln (NM_001424015.1); c.1181T>A, p.Leu394Gln (NM_001424017.1); c.1121T>A, p.Leu374Gln (NM_001424018.1, NM_001424020.1, NM_001424022.1); c.1115T>A, p.Leu372Gln (NM_001424021.1); c.359T>A, p.Leu120Gln (NM_001424030.1); short protein forms L120Q, L330Q, L372Q, L374Q, L394Q, L395Q, L424Q, L437Q.
Identifiers: ClinVar variation 3358738 (VCV003358738.1).